The following is an entry in ClinVar:

ClinVar aggregate classification (germline): Pathogenic (1 of 4 stars; one submission).

Conditions:
Charcot-Marie-Tooth Neuropathy X. Identifiers: MedGen CN118851.

Submission:

Labcorp Genetics (formerly Invitae), Labcorp
Classification: Pathogenic for Charcot-Marie-Tooth Neuropathy X. Last evaluated: 2019-01-27. Review status: criteria provided, single submitter. Criteria: Invitae Variant Classification Sherloc (09022015). Collection method: clinical testing. Allele origin: germline.
Comment: This variant disrupts the C-terminus of the GJB1 protein. Other variant(s) that disrupt this region (p.Arg220*) have been determined to be pathogenic (PMID: 7477983, 8162049, 9364054, 21291455, 9364054, 9592087). This suggests that variants that disrupt this region of the protein are likely to be causative of disease. This variant has not been reported in the literature in individuals with GJB1-related conditions. This variant is not present in population databases (ExAC no frequency). This sequence change results in a premature translational stop signal in the GJB1 gene (p.Cys168*). While this is not anticipated to result in nonsense mediated decay, it is expected to disrupt the last 116 amino acids of the GJB1 protein. For these reasons, this variant has been classified as Pathogenic.

Literature cited by the submitters: PubMed 7477983; PubMed 8162049; PubMed 9364054; PubMed 21291455; PubMed 9592087.

NM_000166.6(GJB1):c.504C>A (p.Cys168Ter)

Gene: GJB1 (gap junction protein beta 1; plus strand). Cytogenetic location: Xq13.1.
Variant type: single nucleotide variant.
Coding change: c.504C>A on transcript NM_000166.6 (MANE Select); coding-DNA position 504, C replaced by A.
Protein change: p.Cys168Ter; replaces cysteine 168 with a stop codon.
Molecular consequence: nonsense.
Genome position (GRCh38, 1-based): chrX:71,224,211, C>A. VCF-style: chrX-71224211-C-A. GRCh37 (hg19) VCF-style: chrX-70444061-C-A.
Other names: c.504C>A, p.Cys168Ter (NM_001097642.3); short protein forms C168*.
Identifiers: ClinVar variation 838209 (VCV000838209.9), dbSNP rs757808220, ClinGen allele CA413502833.